The following is an entry in ClinVar:

ClinVar aggregate classification (germline): Uncertain significance. Review status: criteria provided, multiple submitters, no conflicts (2 of 4 stars). 6 submissions from 6 submitters: Uncertain significance (6). Last evaluated 2026-08-28.

Conditions:
FANCM-related disorder. Also called: FANCM-related condition.
Spermatogenic failure 28. Identifiers: MedGen C4748117, MONDO:0054732, OMIM 618086.
Premature ovarian failure 15. Identifiers: MedGen C4748170, MONDO:0054862, OMIM 618096.
Fanconi anemia (FA). Also called: Fanconi's anemia. Identifiers: Orphanet 84, MedGen C0015625, MeSH D005199, MONDO:0019391.
Inborn genetic diseases. Identifiers: MedGen C0950123, MeSH D030342.

Allele frequency attached by ClinVar (database versions not stated): gnomAD 0.00001; TOPMed 0.00002; ExAC 0.00003; gnomAD exomes 0.00003 and 0.00006.

Submissions (6):

GeneDx
Classification: Uncertain significance. Last evaluated: 2026-08-28. Review status: criteria provided, single submitter. Criteria: GeneDx Variant Classification Process June 2021. Collection method: clinical testing. Allele origin: germline.
Comment: In silico analysis supports that this missense variant has a deleterious effect on protein structure/function; Has not been previously published as pathogenic or benign to our knowledge

PreventionGenetics, part of Exact Sciences
Classification: Uncertain significance for FANCM-related condition. Last evaluated: 2026-01-07. Review status: criteria provided, single submitter. Criteria: ACMG Guidelines, 2015. Collection method: clinical testing. Allele origin: germline.
Comment: The FANCM c.410T>C variant is predicted to result in the amino acid substitution p.Val137Ala. To our knowledge, this variant has not been reported in the literature. This variant is reported in 0.045% of alleles in individuals of Latino descent in gnomAD and is classified as uncertain in ClinVar (Variation ID: 1062414). At this time, the clinical significance of this variant is uncertain due to the absence of conclusive functional and genetic evidence.

Quest Diagnostics Nichols Institute San Juan Capistrano
Classification: Uncertain significance. Last evaluated: 2025-11-05. Review status: criteria provided, single submitter. Criteria: Quest Diagnostics criteria. Collection method: clinical testing. Allele origin: unknown.
Comment: The FANCM c.410T>C (p.Val137Ala) variant has not been reported in individuals with FANCM-related conditions in the published literature. The frequency of this variant in the general population (Genome Aggregation Database) is uninformative in the assessment of its pathogenicity. Analysis of this variant using bioinformatics tools for the prediction of the effect of amino acid changes on protein structure and function yielded conflicting predictions that this variant is benign or damaging. Based on the available information, we are unable to determine the clinical significance of this variant.

Ambry Genetics
Classification: Uncertain significance for Inborn genetic diseases. Last evaluated: 2025-02-10. Review status: criteria provided, single submitter. Criteria: Ambry Variant Classification Scheme 2023. Collection method: clinical testing. Allele origin: germline.
Comment: The p.V137A variant (also known as c.410T>C), located in coding exon 1 of the FANCM gene, results from a T to C substitution at nucleotide position 410. The valine at codon 137 is replaced by alanine, an amino acid with similar properties. This amino acid position is conserved. In addition, this alteration is predicted to be tolerated by in silico analysis. Based on the available evidence, the clinical significance of this variant remains unclear.

Labcorp Genetics (formerly Invitae), Labcorp
Classification: Uncertain significance for Fanconi anemia. Last evaluated: 2024-11-07. Review status: criteria provided, single submitter. Criteria: Invitae Variant Classification Sherloc (09022015). Collection method: clinical testing. Allele origin: germline.
Comment: This sequence change replaces valine, which is neutral and non-polar, with alanine, which is neutral and non-polar, at codon 137 of the FANCM protein (p.Val137Ala). This variant is present in population databases (rs748823532, gnomAD 0.05%). This variant has not been reported in the literature in individuals affected with FANCM-related conditions. ClinVar contains an entry for this variant (Variation ID: 1062414). An algorithm developed to predict the effect of missense changes on protein structure and function (PolyPhen-2) suggests that this variant¬†is likely to be tolerated. In summary, the available evidence is currently insufficient to determine the role of this variant in disease. Therefore, it has been classified as a Variant of Uncertain Significance.

Fulgent Genetics
Classification: Uncertain significance for Spermatogenic failure 28; Premature ovarian failure 15. Last evaluated: 2021-07-14. Review status: criteria provided, single submitter. Criteria: ACMG Guidelines, 2015. Collection method: clinical testing. Allele origin: unknown.

Literature cited by the submitters: PubMed 39461343 (cited by Quest Diagnostics Nichols Institute San Juan Capistrano).

NM_020937.4(FANCM):c.410T>C (p.Val137Ala)

Gene: FANCM (FA complementation group M; plus strand). Cytogenetic location: 14q21.2.
Variant type: single nucleotide variant.
Coding change: c.410T>C on transcript NM_020937.4 (MANE Select); coding-DNA position 410, T replaced by C.
Protein change: p.Val137Ala; replaces valine 137 with alanine.
Molecular consequence: missense variant.
Genome position (GRCh38, 1-based): chr14:45,136,441, T>C. VCF-style: chr14-45136441-T-C. GRCh37 (hg19) VCF-style: chr14-45605644-T-C.
Other names: c.410T>C (NM_020937.2); c.410T>C, p.Val137Ala (NM_001308133.2, NM_001308134.2); short protein forms V137A.
Identifiers: ClinVar variation 1062414 (VCV001062414.16), dbSNP rs748823532, ClinGen allele CA7168756.